The following is an entry in ClinVar:

NM_001014437.3(CARS1):c.1955T>A (p.Phe652Tyr)

Gene: CARS1 (cysteinyl-tRNA synthetase 1; minus strand). Cytogenetic location: 11p15.4.
Variant type: single nucleotide variant.
Coding change: c.1955T>A on transcript NM_001014437.3 (MANE Select); coding-DNA position 1955, T replaced by A.
Protein change: p.Phe652Tyr; replaces phenylalanine 652 with tyrosine.
Molecular consequence: missense variant. On other transcripts: non-coding transcript variant (4).
Genome position (GRCh38, 1-based): chr11:3,015,812, A>T on the plus strand (T>A on the coding strand, the complement: CARS1 is on the minus strand). VCF-style: chr11-3015812-A-T. GRCh37 (hg19) VCF-style: chr11-3037042-A-T.
Other names: c.1955T>A (NM_001014437.2); c.1955T>A, p.Phe652Tyr (NM_001194997.2); c.1745T>A, p.Phe582Tyr (NM_001378136.1); c.1676T>A, p.Phe559Tyr (NM_001378137.1, NM_001378138.1, NM_001378139.1); c.1430T>A, p.Phe477Tyr (NM_001378140.1); c.1706T>A, p.Phe569Tyr (NM_001751.6, NM_139273.4); short protein forms F477Y, F559Y, F569Y, F582Y, F652Y.
Identifiers: ClinVar variation 1706461 (VCV001706461.13), dbSNP rs781761299, ClinGen allele CA5823818.

ClinVar aggregate classification (germline): Conflicting classifications of pathogenicity. Review status: criteria provided, conflicting classifications (1 of 4 stars). 5 submissions from 5 submitters: Likely pathogenic (1); Uncertain significance (4). Last evaluated 2025-03-01.

Conditions:
Microcephaly, developmental delay, and brittle hair syndrome. Identifiers: MedGen C5394425, MONDO:0030047, OMIM 618891.

Allele frequency attached by ClinVar (database versions not stated): ExAC 0.00015; gnomAD 0.00019; gnomAD exomes 0.00019; TOPMed 0.00020.
gnomAD v4.1: 318 of 1,614,168 alleles (0.02%); highest among the groups gnomAD compares: Middle Eastern, 0.97%; 1 homozygote.

Submissions (5):

CeGaT Center for Human Genetics Tuebingen
Classification: Uncertain significance. Last evaluated: 2025-03-01. Review status: criteria provided, single submitter. Criteria: CeGaT Center For Human Genetics Tuebingen Variant Classification Criteria Version 2. Collection method: clinical testing. Allele origin: germline. Affected: yes. Observed: 1 variant allele.
Comment: CARS1: PM2, PM3

Department of Human Genetics, Hannover Medical School
Classification: Uncertain significance for Microcephaly, developmental delay, and brittle hair syndrome. Last evaluated: 2024-07-22. Review status: criteria provided, single submitter. Criteria: ACMG Guidelines, 2015. Collection method: clinical testing. Allele origin: germline. Inheritance: Autosomal recessive inheritance. Affected: yes.

Ambry Genetics
Classification: Uncertain significance. Last evaluated: 2022-12-19. Review status: criteria provided, single submitter. Criteria: Ambry Variant Classification Scheme 2023. Collection method: clinical testing. Allele origin: germline.

Department of Genetics, Sultan Qaboos University Hospital
Classification: Uncertain significance for Microcephaly, developmental delay, and brittle hair syndrome. Last evaluated: 2022-06-30. Review status: criteria provided, single submitter. Criteria: ACMG Guidelines, 2015. Collection method: clinical testing. Allele origin: germline.

Rare Pediatric Neurological Diseases Research Center, Mashhad University of Medical Sciences
Classification: Likely pathogenic for Microcephaly, developmental delay, and brittle hair syndrome. Review status: criteria provided, single submitter. Criteria: ACMG Guidelines, 2015. Collection method: clinical testing. Allele origin: germline. Inheritance: Autosomal recessive inheritance. Affected: yes.
Comment: We performed deep phenotyping, and the clinical findings were consistent with the phenotype known to be associated with CARS1 variants. Based on this detailed clinical correlation, the PP4 criterion is met. The variant is absent from population databases (gnomAD), supporting the PM2 criterion. According to ACMG/AMP guidelines, combining PM2 and PP4, this variant is classified as likely pathogenic.

Literature cited by the submitters: PubMed 30824121 (cited by Rare Pediatric Neurological Diseases Research Center, Mashhad University of Medical Sciences).